The following is an entry in ClinVar:

ClinVar aggregate classification (germline): Uncertain significance (1 of 4 stars; one submission).

Submission:

CeGaT Center for Human Genetics Tuebingen
Classification: Uncertain significance. Last evaluated: 2022-07-01. Review status: criteria provided, single submitter. Criteria: CeGaT Center For Human Genetics Tuebingen Variant Classification Criteria Version 2. Collection method: clinical testing. Allele origin: germline. Affected: yes. Observed: 1 variant allele.
Comment: FANCL: PM2, PVS1:Moderate

NM_018062.4(FANCL):c.1108del (p.Met370fs)

Genes: FANCL (FA complementation group L; minus strand), VRK2 (VRK serine/threonine kinase 2; plus strand). Cytogenetic location: 2p16.1.
Variant type: Deletion.
Coding change: c.1108del on transcript NM_018062.4 (MANE Select); coding-DNA position 1108, one base deleted (A; older notation c.1108delA).
Protein change: p.Met370fs; shifts the reading frame from methionine 370.
Molecular consequence: frameshift variant. On other transcripts: 3 prime UTR variant (9).
Genome position (GRCh38, 1-based): chr2:58,159,785, T deleted on the plus strand (A on the coding strand, the reverse complement: FANCL is on the minus strand); the first of 5 consecutive T bases (chr2:58,159,785-58,159,789); deleting any one gives the same sequence. VCF-style (leftmost placement, unchanged base first): chr2-58159784-AT-A. GRCh37 (hg19) VCF-style: chr2-58386919-AT-A.
Other names: c.*96del (NM_001130480.2, NM_001130481.2, NM_001130482.2 and 4 more transcripts); c.*481del (NM_001130483.2, NM_001288838.2); c.1119delA, p.Met375Cysfs (NM_001114636.2); c.1153del, p.Met385fs (NM_001374615.1); c.1168del, p.Met390fs (NM_001410792.1); short protein forms M370fs, M375fs, M385fs, M390fs.
Identifiers: ClinVar variation 2650956 (VCV002650956.24), dbSNP rs2104764221, ClinGen allele CA426410963.